The following is an entry in ClinVar:

ClinVar aggregate classification (germline): Uncertain significance. Review status: criteria provided, multiple submitters, no conflicts (2 of 4 stars). 6 submissions from 6 submitters: Uncertain significance (6). Last evaluated 2025-10-03.

Conditions:
Hereditary cancer-predisposing syndrome. Also called: Neoplastic Syndromes, Hereditary; Hereditary neoplastic syndrome; Tumor predisposition; Hereditary Cancer Syndrome. Identifiers: Orphanet 140162, MedGen C0027672, MeSH D009386, MONDO:0015356.
Familial cancer of breast. Also called: hereditary breast carcinoma; Hereditary breast cancer; BREAST CANCER, FAMILIAL. Identifiers: Orphanet 227535, MedGen C0346153, MONDO:0016419, OMIM 114480. Disease mechanism: loss of function.
Ataxia-telangiectasia syndrome (AT). Also called: Ataxia telangiectasia (A-T); Cerebello-oculocutaneous telangiectasia; Immunodeficiency with ataxia telangiectasia; LOUIS-BAR SYNDROME; AT, COMPLEMENTATION GROUP C; ATAXIA-TELANGIECTASIA, FRESNO VARIANT. Identifiers: Orphanet 100, MedGen C0004135, MONDO:0008840, OMIM 208900.

Submissions (6):

Labcorp Genetics (formerly Invitae), Labcorp
Classification: Uncertain significance for Ataxia-telangiectasia syndrome. Last evaluated: 2025-10-03. Review status: criteria provided, single submitter. Criteria: Invitae Variant Classification Sherloc (09022015). Collection method: clinical testing. Allele origin: germline.
Comment: This sequence change replaces isoleucine, which is neutral and non-polar, with threonine, which is neutral and polar, at codon 2948 of the ATM protein (p.Ile2948Thr). This variant is not present in population databases (gnomAD no frequency). This missense change has been observed in individual(s) with breast cancer (PMID: 35264596, 35534704). ClinVar contains an entry for this variant (Variation ID: 232044). Invitae Evidence Modeling of protein sequence and biophysical properties (such as structural, functional, and spatial information, amino acid conservation, physicochemical variation, residue mobility, and thermodynamic stability) indicates that this missense variant is expected to disrupt ATM protein function with a positive predictive value of 95%. In summary, the available evidence is currently insufficient to determine the role of this variant in disease. Therefore, it has been classified as a Variant of Uncertain Significance.

Ambry Genetics
Classification: Uncertain significance for Hereditary cancer-predisposing syndrome. Last evaluated: 2024-07-18. Review status: criteria provided, single submitter. Criteria: Ambry Variant Classification Scheme 2023. Collection method: clinical testing. Allele origin: germline.
Comment: The p.I2948T variant (also known as c.8843T>C), located in coding exon 60 of the ATM gene, results from a T to C substitution at nucleotide position 8843. The isoleucine at codon 2948 is replaced by threonine, an amino acid with similar properties. This alteration was detected in 2/1663 Brazilian breast cancer patients who underwent hereditary multigene panel testing (Guindalini RSC et al. Sci Rep, 2022 Mar;12:4190). This amino acid position is highly conserved in available vertebrate species. In addition, this alteration is predicted to be deleterious by in silico analysis. Based on the available evidence, the clinical significance of this variant remains unclear.

Baylor Genetics
Classification: Uncertain significance for Familial cancer of breast. Last evaluated: 2024-03-22. Review status: criteria provided, single submitter. Criteria: ACMG Guidelines, 2015. Collection method: clinical testing. Allele origin: unknown.

GeneDx
Classification: Uncertain significance. Last evaluated: 2023-05-23. Review status: criteria provided, single submitter. Criteria: GeneDx Variant Classification Process June 2021. Collection method: clinical testing. Allele origin: germline. Affected: yes.
Comment: Not observed at significant frequency in large population cohorts (gnomAD); In silico analysis supports that this missense variant has a deleterious effect on protein structure/function; Observed in individuals with breast cancer in published literature (Guindalini et al., 2022); This variant is associated with the following publications: (PMID: 35264596, 23532176, 34584144)

Color Diagnostics, LLC DBA Color Health
Classification: Uncertain significance for Hereditary cancer-predisposing syndrome. Last evaluated: 2023-05-05. Review status: criteria provided, single submitter. Criteria: ACMG Guidelines, 2015. Collection method: clinical testing. Allele origin: germline.
Comment: This missense variant replaces isoleucine with threonine at codon 2948 of the ATM protein. Computational prediction suggests that this variant may have deleterious impact on protein structure and function (internally defined REVEL score threshold >= 0.7, PMID: 27666373). To our knowledge, functional studies have not been reported for this variant. This variant has not been reported in individuals affected with ATM-related disorders in the literature. This variant has not been identified in the general population by the Genome Aggregation Database (gnomAD). The available evidence is insufficient to determine the role of this variant in disease conclusively. Therefore, this variant is classified as a Variant of Uncertain Significance.

Mendelics
Classification: Uncertain significance for Ataxia-telangiectasia syndrome. Last evaluated: 2018-07-02. Review status: criteria provided, single submitter. Criteria: Mendelics Assertion Criteria 2017. Collection method: clinical testing. Allele origin: unknown.

Literature cited by the submitters: PubMed 35264596 (cited by Labcorp Genetics (formerly Invitae), Labcorp and Ambry Genetics); PubMed 35534704 (cited by Labcorp Genetics (formerly Invitae), Labcorp).

NM_000051.4(ATM):c.8843T>C (p.Ile2948Thr)

Genes: ATM (ATM serine/threonine kinase; plus strand), C11orf65 (chromosome 11 open reading frame 65; minus strand). Cytogenetic location: 11q22.3.
Variant type: single nucleotide variant.
Coding change: c.8843T>C on transcript NM_000051.4 (MANE Select); coding-DNA position 8843, T replaced by C.
Protein change: p.Ile2948Thr; replaces isoleucine 2948 with threonine.
Molecular consequence: missense variant. On other transcripts: intron variant (2).
Genome position (GRCh38, 1-based): chr11:108,354,867, T>C. VCF-style: chr11-108354867-T-C. GRCh37 (hg19) VCF-style: chr11-108225594-T-C.
Other names: c.8843T>C, p.Ile2948Thr (NM_001351834.2); c.640+31053A>G (NM_001330368.2); c.695-19575A>G (NM_001351110.2); short protein forms I2948T.
Identifiers: ClinVar variation 232044 (VCV000232044.19), dbSNP rs876659516, ClinGen allele CA10579323.